The following is an entry in ClinVar:

NM_001042492.3(NF1):c.1766A>T (p.Gln589Leu)

Gene: NF1 (neurofibromin 1; plus strand). Cytogenetic location: 17q11.2.
Variant type: single nucleotide variant.
Coding change: c.1766A>T on transcript NM_001042492.3 (MANE Select); coding-DNA position 1766, A replaced by T.
Protein change: p.Gln589Leu; replaces glutamine 589 with leucine.
Molecular consequence: missense variant.
Genome position (GRCh38, 1-based): chr17:31,223,488, A>T. VCF-style: chr17-31223488-A-T. GRCh37 (hg19) VCF-style: chr17-29550506-A-T.
Other names: c.1766A>T, p.Gln589Leu (NM_000267.4); short protein forms Q589L.
Identifiers: ClinVar variation 3238444 (VCV003238444.1), dbSNP rs2144016261.

ClinVar aggregate classification (germline): Uncertain significance (1 of 4 stars; one submission).

Conditions:
Hereditary cancer-predisposing syndrome. Also called: Neoplastic Syndromes, Hereditary; Tumor predisposition; Hereditary neoplastic syndrome; Hereditary Cancer Syndrome. Identifiers: Orphanet 140162, MedGen C0027672, MeSH D009386, MONDO:0015356.
Cardiovascular phenotype. Identifiers: MedGen CN230736.

Submission:

Ambry Genetics
Classification: Uncertain significance for Cardiovascular phenotype; Hereditary cancer-predisposing syndrome. Last evaluated: 2023-09-14. Review status: criteria provided, single submitter. Criteria: Ambry Variant Classification Scheme 2023. Collection method: clinical testing. Allele origin: germline.
Comment: The p.Q589L variant (also known as c.1766A>T), located in coding exon 16 of the NF1 gene, results from an A to T substitution at nucleotide position 1766. The glutamine at codon 589 is replaced by leucine, an amino acid with dissimilar properties. This amino acid position is conserved. In addition, this alteration is predicted to be deleterious by in silico analysis. Since supporting evidence is limited at this time, the clinical significance of this alteration remains unclear.